The following is an entry in ClinVar:

NM_000238.4(KCNH2):c.164C>A (p.Ser55Ter)

Gene: KCNH2 (potassium voltage-gated channel subfamily H member 2; minus strand). Cytogenetic location: 7q36.1.
Variant type: single nucleotide variant.
Coding change: c.164C>A on transcript NM_000238.4 (MANE Select); coding-DNA position 164, C replaced by A.
Protein change: p.Ser55Ter; replaces serine 55 with a stop codon.
Molecular consequence: nonsense.
Genome position (GRCh38, 1-based): chr7:150,974,854, G>T on the plus strand (C>A on the coding strand, the complement: KCNH2 is on the minus strand). VCF-style: chr7-150974854-G-T. GRCh37 (hg19) VCF-style: chr7-150671942-G-T.
Other names: c.-14C>A (NM_001406755.1); c.164C>A, p.Ser55Ter (NM_172056.3); short protein forms S55*.
Identifiers: ClinVar variation 418597 (VCV000418597.11), dbSNP rs199472844, ClinGen allele CA16618417.

ClinVar aggregate classification (germline): Pathogenic. Review status: criteria provided, multiple submitters, no conflicts (2 of 4 stars). 2 submissions from 2 submitters: Pathogenic (2). Last evaluated 2021-04-07.

Conditions:
Long QT syndrome (LQTS). Identifiers: MedGen C0023976, MeSH D008133, MONDO:0002442. Disease mechanism: loss of function. Inheritance: Various modes of inheritance.

Submissions (2):

GeneDx
Classification: Pathogenic. Last evaluated: 2021-04-07. Review status: criteria provided, single submitter. Criteria: GeneDx Variant Classification Process June 2021. Collection method: clinical testing. Allele origin: germline. Affected: yes.
Comment: Has not been previously published as pathogenic or benign to our knowledge; Reported in ClinVar as a pathogenic variant (ClinVar Variant ID# 418597; Landrum et al., 2016); Not observed in large population cohorts (Lek et al., 2016); Nonsense variant predicted to result in protein truncation or nonsense mediated decay in a gene for which loss-of-function is a known mechanism of disease

Labcorp Genetics (formerly Invitae), Labcorp
Classification: Pathogenic for Long QT syndrome. Last evaluated: 2019-10-02. Review status: criteria provided, single submitter. Criteria: Invitae Variant Classification Sherloc (09022015). Collection method: clinical testing. Allele origin: germline.
Comment: For these reasons, this variant has been classified as Pathogenic. Loss-of-function variants in KCNH2 are known to be pathogenic (PMID: 10973849, 19862833). This variant has not been reported in the literature in individuals with KCNH2-related conditions. ClinVar contains an entry for this variant (Variation ID: 418597). This variant is not present in population databases (ExAC no frequency). This sequence change creates a premature translational stop signal (p.Ser55*) in the KCNH2 gene. It is expected to result in an absent or disrupted protein product.

Literature cited by the submitters: PubMed 10973849 (cited by Labcorp Genetics (formerly Invitae), Labcorp); PubMed 19862833 (cited by Labcorp Genetics (formerly Invitae), Labcorp).